The following is an entry in ClinVar:

ClinVar aggregate classification (germline): Uncertain significance (1 of 4 stars; one submission).

Allele frequency attached by ClinVar (database versions not stated): gnomAD exomes below 0.00001 and 0.00002; TOPMed 0.00001.
gnomAD v4.1: 5 of 1,588,524 alleles (0.00031%); highest among the groups gnomAD compares: Admixed American, 0.0036%; no homozygotes.

Submission:

Labcorp Genetics (formerly Invitae), Labcorp
Classification: Uncertain significance. Last evaluated: 2022-10-24. Review status: criteria provided, single submitter. Criteria: Invitae Variant Classification Sherloc (09022015). Collection method: clinical testing. Allele origin: germline.
Comment: This sequence change replaces arginine, which is basic and polar, with lysine, which is basic and polar, at codon 779 of the GPR179 protein (p.Arg779Lys). This variant is present in population databases (rs747406038, gnomAD 0.004%). This variant has not been reported in the literature in individuals affected with GPR179-related conditions. ClinVar contains an entry for this variant (Variation ID: 1405378). Algorithms developed to predict the effect of missense changes on protein structure and function output the following: SIFT: "Deleterious"; PolyPhen-2: "Benign"; Align-GVGD: "Class C0". The lysine amino acid residue is found in multiple mammalian species, which suggests that this missense change does not adversely affect protein function. In summary, the available evidence is currently insufficient to determine the role of this variant in disease. Therefore, it has been classified as a Variant of Uncertain Significance.

NM_001004334.4(GPR179):c.2336G>A (p.Arg779Lys)

Gene: GPR179 (G protein-coupled receptor 179; minus strand). Cytogenetic location: 17q12.
Variant type: single nucleotide variant.
Coding change: c.2336G>A on transcript NM_001004334.4 (MANE Select); coding-DNA position 2336, G replaced by A.
Protein change: p.Arg779Lys; replaces arginine 779 with lysine.
Molecular consequence: missense variant.
Genome position (GRCh38, 1-based): chr17:38,331,233, C>T on the plus strand (G>A on the coding strand, the complement: GPR179 is on the minus strand). VCF-style: chr17-38331233-C-T. GRCh37 (hg19) VCF-style: chr17-36487116-C-T.
Other names: short protein forms R779K.
Identifiers: ClinVar variation 1405378 (VCV001405378.3), dbSNP rs747406038, ClinGen allele CA290105923.